The following is an entry in ClinVar:

ClinVar aggregate classification (germline): Uncertain significance. Review status: criteria provided, multiple submitters, no conflicts (2 of 4 stars). 4 submissions from 4 submitters: Uncertain significance (4). Last evaluated 2026-01-31.

Conditions:
Hereditary cancer-predisposing syndrome. Also called: Tumor predisposition; Hereditary neoplastic syndrome; Neoplastic Syndromes, Hereditary; Hereditary Cancer Syndrome. Identifiers: Orphanet 140162, MedGen C0027672, MeSH D009386, MONDO:0015356.
Oligodontia-cancer predisposition syndrome. Also called: TOOTH AGENESIS-COLORECTAL CANCER SYNDROME. Identifiers: Orphanet 300576, MedGen C1837750, MONDO:0012075, OMIM 608615. Disease mechanism: loss of function.
Colorectal cancer. Also called: Colorectal cancer, somatic; Malignant Colorectal Neoplasm. Identifiers: MedGen C0346629, MONDO:0005575, OMIM 114500.

Allele frequency attached by ClinVar (database versions not stated): gnomAD 0.00001; ExAC 0.00002; gnomAD exomes 0.00002; TOPMed 0.00002.
gnomAD v4.1: 38 of 1,613,538 alleles (0.0024%); highest among the groups gnomAD compares: Non-Finnish European, 0.0031%; no homozygotes.

Submissions (4):

Labcorp Genetics (formerly Invitae), Labcorp
Classification: Uncertain significance for Oligodontia-cancer predisposition syndrome. Last evaluated: 2026-01-31. Review status: criteria provided, single submitter. Criteria: Invitae Variant Classification Sherloc (09022015). Collection method: clinical testing. Allele origin: germline.
Comment: This sequence change replaces methionine, which is neutral and non-polar, with threonine, which is neutral and polar, at codon 623 of the AXIN2 protein (p.Met623Thr). This variant is present in population databases (rs752721451, gnomAD 0.004%). This variant has not been reported in the literature in individuals affected with AXIN2-related conditions. ClinVar contains an entry for this variant (Variation ID: 664349). Invitae Evidence Modeling of protein sequence and biophysical properties (such as structural, functional, and spatial information, amino acid conservation, physicochemical variation, residue mobility, and thermodynamic stability) indicates that this missense variant is not expected to disrupt AXIN2 protein function with a negative predictive value of 80%. In summary, the available evidence is currently insufficient to determine the role of this variant in disease. Therefore, it has been classified as a Variant of Uncertain Significance.

Ambry Genetics
Classification: Uncertain significance for Hereditary cancer-predisposing syndrome. Last evaluated: 2025-09-10. Review status: criteria provided, single submitter. Criteria: Ambry Variant Classification Scheme 2023. Collection method: clinical testing. Allele origin: germline.
Comment: The p.M623T variant (also known as c.1868T>C), located in coding exon 6 of the AXIN2 gene, results from a T to C substitution at nucleotide position 1868. The methionine at codon 623 is replaced by threonine, an amino acid with similar properties. This amino acid position is not well conserved in available vertebrate species. In addition, the in silico prediction for this alteration is inconclusive. Since supporting evidence is limited at this time, the clinical significance of this alteration remains unclear.

GeneDx
Classification: Uncertain significance. Last evaluated: 2025-01-16. Review status: criteria provided, single submitter. Criteria: GeneDx Variant Classification Process June 2021. Collection method: clinical testing. Allele origin: germline. Affected: yes.
Comment: In silico analysis indicates that this missense variant does not alter protein structure/function; Has not been previously published as pathogenic or benign to our knowledge

Fulgent Genetics
Classification: Uncertain significance for Colorectal cancer; Oligodontia-cancer predisposition syndrome. Last evaluated: 2024-02-16. Review status: criteria provided, single submitter. Criteria: ACMG Guidelines, 2015. Collection method: clinical testing. Allele origin: germline.

NM_004655.4(AXIN2):c.1868T>C (p.Met623Thr)

Gene: AXIN2 (axin 2; minus strand). Cytogenetic location: 17q24.1.
Variant type: single nucleotide variant.
Coding change: c.1868T>C on transcript NM_004655.4 (MANE Select); coding-DNA position 1868, T replaced by C.
Protein change: p.Met623Thr; replaces methionine 623 with threonine.
Molecular consequence: missense variant. On other transcripts: intron variant (1).
Genome position (GRCh38, 1-based): chr17:65,536,908, A>G on the plus strand (T>C on the coding strand, the complement: AXIN2 is on the minus strand). VCF-style: chr17-65536908-A-G. GRCh37 (hg19) VCF-style: chr17-63533026-A-G.
Other names: c.1868T>C (LRG_296t1); c.1713-355T>C (NM_001363813.1); short protein forms M623T.
Identifiers: ClinVar variation 664349 (VCV000664349.21), dbSNP rs752721451, ClinGen allele CA8718508.